The following is an entry in ClinVar:

NM_001042492.3(NF1):c.6845del (p.Pro2282fs)

Gene: NF1 (neurofibromin 1; plus strand). Cytogenetic location: 17q11.2.
Variant type: Deletion.
Coding change: c.6845del on transcript NM_001042492.3 (MANE Select); coding-DNA position 6845, one base deleted (C; older notation c.6845delC).
Protein change: p.Pro2282fs; shifts the reading frame from proline 2282.
Molecular consequence: frameshift variant.
Genome position (GRCh38, 1-based): chr17:31,338,729, C deleted; the last of 2 consecutive C bases (chr17:31,338,728-31,338,729); deleting either gives the same sequence. VCF-style (leftmost placement, unchanged base first): chr17-31338727-AC-A. GRCh37 (hg19) VCF-style: chr17-29665745-AC-A.
Other names: c.6782delC, p.Pro2261Leufs (NM_000267.4); short protein forms P2261fs, P2282fs.
Identifiers: ClinVar variation 938606 (VCV000938606.6), dbSNP rs2069743464, ClinGen allele CA1139665460.

ClinVar aggregate classification (germline): Pathogenic (1 of 4 stars; one submission).

Conditions:
Neurofibromatosis, type 1 (NF1). Also called: Peripheral type neurofibromatosis; VON RECKLINGHAUSEN DISEASE; Neurofibromatosis, type I; NEUROFIBROMATOSIS, TYPE I, SOMATIC. Identifiers: Orphanet 636, MedGen C0027831, MONDO:0018975, OMIM 162200. Disease mechanism: loss of function.

Submission:

Labcorp Genetics (formerly Invitae), Labcorp
Classification: Pathogenic for Neurofibromatosis, type 1. Last evaluated: 2019-06-26. Review status: criteria provided, single submitter. Criteria: Invitae Variant Classification Sherloc (09022015). Collection method: clinical testing. Allele origin: germline.
Comment: This variant has not been reported in the literature in individuals with NF1-related conditions. This variant is not present in population databases (ExAC no frequency). This sequence change creates a premature translational stop signal (p.Pro2261Leufs*9) in the NF1 gene. It is expected to result in an absent or disrupted protein product. Loss-of-function variants in NF1 are known to be pathogenic (PMID: 10712197, 23913538). For these reasons, this variant has been classified as Pathogenic.

Literature cited by the submitters: PubMed 10712197; PubMed 23913538.